The following is an entry in ClinVar:

ClinVar aggregate classification (germline): Uncertain significance (1 of 4 stars; one submission).

Submission:

Labcorp Genetics (formerly Invitae), Labcorp
Classification: Uncertain significance. Last evaluated: 2025-03-07. Review status: criteria provided, single submitter. Criteria: Invitae Variant Classification Sherloc (09022015). Collection method: clinical testing. Allele origin: germline.
Comment: This sequence change replaces alanine, which is neutral and non-polar, with threonine, which is neutral and polar, at codon 1061 of the JAK1 protein (p.Ala1061Thr). This variant is not present in population databases (gnomAD no frequency). This variant has not been reported in the literature in individuals affected with JAK1-related conditions. Invitae Evidence Modeling of protein sequence and biophysical properties (such as structural, functional, and spatial information, amino acid conservation, physicochemical variation, residue mobility, and thermodynamic stability) indicates that this missense variant is expected to disrupt JAK1 protein function with a positive predictive value of 80%. In summary, the available evidence is currently insufficient to determine the role of this variant in disease. Therefore, it has been classified as a Variant of Uncertain Significance.

NM_002227.4(JAK1):c.3181G>A (p.Ala1061Thr)

Gene: JAK1 (Janus kinase 1; minus strand). Cytogenetic location: 1p31.3.
Variant type: single nucleotide variant.
Coding change: c.3181G>A on transcript NM_002227.4 (MANE Select); coding-DNA position 3181, G replaced by A.
Protein change: p.Ala1061Thr; replaces alanine 1061 with threonine.
Molecular consequence: missense variant.
Genome position (GRCh38, 1-based): chr1:64,836,175, C>T on the plus strand (G>A on the coding strand, the complement: JAK1 is on the minus strand). VCF-style: chr1-64836175-C-T. GRCh37 (hg19) VCF-style: chr1-65301858-C-T.
Other names: c.3181G>A, p.Ala1061Thr (NM_001320923.2, NM_001321852.2, NM_001321853.2 and 3 more transcripts); c.3178G>A, p.Ala1060Thr (NM_001321857.2); short protein forms A1060T, A1061T.
Identifiers: ClinVar variation 4805230 (VCV004805230.1).
Genomic context (GRCh38, chr1:64,836,175, plus strand): 5'-CTGAATCACAGTAAGTCAGCAGCTCATGCAGAGTGACTCCAAAAGACCAGACGTCAGAGG[C>T]AATATAAAATTTAGATTGCATTAAACATTCTGGAGCATACCTTGAAAGGAAGCAGAACAC-3'
Protein context (NP_002218.2, residues 1051-1071): ECLMQSKFYI[Ala1061Thr]SDVWSFGVTL